The following is an entry in ClinVar:

NM_139215.3(TAF15):c.1588G>A (p.Gly530Ser)

Gene: TAF15 (TATA-box binding protein associated factor 15; plus strand). Cytogenetic location: 17q12.
Variant type: single nucleotide variant.
Coding change: c.1588G>A on transcript NM_139215.3 (MANE Select); coding-DNA position 1588, G replaced by A.
Protein change: p.Gly530Ser; replaces glycine 530 with serine.
Molecular consequence: missense variant.
Genome position (GRCh38, 1-based): chr17:35,844,887, G>A. VCF-style: chr17-35844887-G-A. GRCh37 (hg19) VCF-style: chr17-34171891-G-A.
Other names: c.1579G>A, p.Gly527Ser (NM_003487.4); short protein forms G527S, G530S.
Identifiers: ClinVar variation 2636015 (VCV002636015.1), dbSNP rs767417430, ClinGen allele CA290041675.
Genomic context (GRCh38, chr17:35,844,887, plus strand): 5'-GGAGATCGAGGAGGTTATGGAGGAGATCGAGGAGGCTATGGAGGAGACAGAAGCCGGGGG[G>A]GCTATGGAGGAGACCGTGGTGGTGGCAGTGGCTACGGTGGAGACCGAAGTGGAGGCTATG-3'
Protein context (NP_631961.1, residues 520-540): GGYGGDRSRG[Gly530Ser]YGGDRGGGSG

ClinVar aggregate classification (germline): Uncertain significance (1 of 4 stars; one submission).

Conditions:
TAF15-related disorder. Also called: TAF15-related condition.

Allele frequency attached by ClinVar (database versions not stated): ExAC 0.00002; TOPMed 0.00002; gnomAD 0.00003.

Submission:

PreventionGenetics, part of Exact Sciences
Classification: Uncertain significance for TAF15-related condition. Last evaluated: 2023-04-06. Review status: criteria provided, single submitter. Criteria: ACMG Guidelines, 2015. Collection method: clinical testing. Allele origin: germline.
Comment: The TAF15 c.1588G>A variant is predicted to result in the amino acid substitution p.Gly530Ser. To our knowledge, this variant has not been reported in the literature. This variant is reported in 0.0045% of alleles in individuals of European (Non-Finnish) descent in gnomAD. At this time, the clinical significance of this variant is uncertain due to the absence of conclusive functional and genetic evidence.